The following is an entry in ClinVar:

NM_001038603.3(MARVELD2):c.176C>T (p.Pro59Leu)

Gene: MARVELD2 (MARVEL domain containing 2; plus strand). Cytogenetic location: 5q13.2.
Variant type: single nucleotide variant.
Coding change: c.176C>T on transcript NM_001038603.3 (MANE Select); coding-DNA position 176, C replaced by T.
Protein change: p.Pro59Leu; replaces proline 59 with leucine.
Molecular consequence: missense variant.
Genome position (GRCh38, 1-based): chr5:69,419,561, C>T. VCF-style: chr5-69419561-C-T. GRCh37 (hg19) VCF-style: chr5-68715388-C-T.
Other names: c.176C>T, p.Pro59Leu (NM_001244734.2); short protein forms P59L.
Identifiers: ClinVar variation 287288 (VCV000287288.20), dbSNP rs150434290, ClinGen allele CA3293991.

ClinVar aggregate classification (germline): Conflicting classifications of pathogenicity. Review status: criteria provided, conflicting classifications (1 of 4 stars). 6 submissions from 6 submitters: Uncertain significance (5); Likely benign (1). Last evaluated 2026-07-27.

Conditions:
MARVELD2-related disorder. Also called: MARVELD2-related condition.
Autosomal recessive nonsyndromic hearing loss 49. Also called: Deafness, neurosensory, autosomal recessive 49. Identifiers: Orphanet 90636, MedGen C1857811, MONDO:0012420, OMIM 610153.

Allele frequency attached by ClinVar (database versions not stated): 1000 Genomes Project 0.00020; 1000 Genomes Project 30x 0.00031; ExAC 0.00048; TOPMed 0.00048; gnomAD 0.00050 and 0.00053; gnomAD exomes 0.00050; ESP Exome Variant Server 0.00054.

Submissions (6):

PreventionGenetics, part of Exact Sciences
Classification: Uncertain significance for MARVELD2-related condition. Last evaluated: 2026-07-27. Review status: criteria provided, single submitter. Criteria: ACMG Guidelines, 2015. Collection method: clinical testing. Allele origin: germline.
Comment: The MARVELD2 c.176C>T variant is predicted to result in the amino acid substitution p.Pro59Leu. To our knowledge, this variant has not been reported in the literature. This variant is reported in 0.084% of alleles in individuals of European (Non-Finnish) descent in gnomAD, which may be too frequent to be a primary cause of disease. Although we suspect that this variant may be benign, at this time, the clinical significance of this variant is uncertain due to the absence of conclusive functional and genetic evidence.

Labcorp Genetics (formerly Invitae), Labcorp
Classification: Uncertain significance. Last evaluated: 2022-07-20. Review status: criteria provided, single submitter. Criteria: Invitae Variant Classification Sherloc (09022015). Collection method: clinical testing. Allele origin: germline.
Comment: This sequence change replaces proline, which is neutral and non-polar, with leucine, which is neutral and non-polar, at codon 59 of the MARVELD2 protein (p.Pro59Leu). This variant is present in population databases (rs150434290, gnomAD 0.09%), and has an allele count higher than expected for a pathogenic variant. This variant has not been reported in the literature in individuals affected with MARVELD2-related conditions. ClinVar contains an entry for this variant (Variation ID: 287288). Algorithms developed to predict the effect of missense changes on protein structure and function are either unavailable or do not agree on the potential impact of this missense change (SIFT: "Deleterious"; PolyPhen-2: "Benign"; Align-GVGD: "Class C0"). In summary, the available evidence is currently insufficient to determine the role of this variant in disease. Therefore, it has been classified as a Variant of Uncertain Significance.

GeneDx
Classification: Likely benign. Last evaluated: 2020-12-16. Review status: criteria provided, single submitter. Criteria: GeneDx Variant Classification Process June 2021. Collection method: clinical testing. Allele origin: germline. Affected: yes.

Illumina Laboratory Services, Illumina
Classification: Uncertain significance for Autosomal recessive nonsyndromic hearing loss 49. Last evaluated: 2018-01-12. Review status: criteria provided, single submitter. Criteria: ICSL Variant Classification Criteria 13 December 2019. Collection method: clinical testing. Allele origin: germline.

Eurofins Ntd Llc (ga)
Classification: Uncertain significance. Last evaluated: 2016-05-10. Review status: criteria provided, single submitter. Criteria: EGL Classification Definitions 2015. Collection method: clinical testing. Allele origin: germline. Observed: 1 variant allele, 1 heterozygote.

Laboratory for Molecular Medicine, Mass General Brigham Personalized Medicine
Classification: Uncertain significance. Last evaluated: 2016-04-21. Review status: criteria provided, single submitter. Criteria: LMM Criteria. Collection method: clinical testing. Allele origin: germline. Observed: 1 variant allele.
Comment: The p.Pro59Leu variant in MARVELD2 has not been previously reported in individua ls with hearing loss, but it has been identified in 0.1% (51/66680) of European chromosomes by the Exome Aggregation Consortium (ExAC; dbSNP rs150434290). Although this variant has been seen in the general po pulation, its frequency is not high enough to rule out a pathogenic role. Comput ational prediction tools and conservation analyses do not provide strong support for or against an impact to the protein. In summary, the clinical significance of the p.Pro59Leu variant is uncertain.